The following is an entry in ClinVar:

NM_002772.3(TMPRSS15):c.930A>G (p.Gln310=)

Gene: TMPRSS15 (transmembrane serine protease 15; minus strand). Cytogenetic location: 21q21.1.
Variant type: single nucleotide variant.
Coding change: c.930A>G on transcript NM_002772.3 (MANE Select); coding-DNA position 930, A replaced by G.
Protein change: p.Gln310=; no amino-acid change (glutamine 310 retained).
Molecular consequence: synonymous variant.
Genome position (GRCh38, 1-based): chr21:18,353,814, T>C on the plus strand (A>G on the coding strand, the complement: TMPRSS15 is on the minus strand). VCF-style: chr21-18353814-T-C. GRCh37 (hg19) VCF-style: chr21-19726131-T-C.
Identifiers: ClinVar variation 2087695 (VCV002087695.4), dbSNP rs2075597307, ClinGen allele CA511461759.
Genomic context (GRCh38, chr21:18,353,814, plus strand): 5'-TGTTGCATTAAAGCCAACATAATCACTTTCATCAGATTCTATAAGAAAGGTGGCAGTAAC[T>C]TGGTTGGAAAAAATTCTTATTGTGCCAGGATTAGTTTCCCAAATAGAAGCTACAAAATAA-3'
Protein context (NP_002763.3, residues 300-320): NPGTIRIFSN[Gln310=]VTATFLIESD

ClinVar aggregate classification (germline): Uncertain significance (1 of 4 stars; one submission).

Allele frequency attached by ClinVar (database versions not stated): TOPMed 0.00001.

Submission:

Labcorp Genetics (formerly Invitae), Labcorp
Classification: Uncertain significance. Last evaluated: 2022-06-17. Review status: criteria provided, single submitter. Criteria: Invitae Variant Classification Sherloc (09022015). Collection method: clinical testing. Allele origin: germline.
Comment: This sequence change affects codon 310 of the TMPRSS15 mRNA. It is a 'silent' change, meaning that it does not change the encoded amino acid sequence of the TMPRSS15 protein. In summary, the available evidence is currently insufficient to determine the role of this variant in disease. Therefore, it has been classified as a Variant of Uncertain Significance. Algorithms developed to predict the effect of sequence changes on RNA splicing suggest that this variant may create or strengthen a splice site. This variant has not been reported in the literature in individuals affected with TMPRSS15-related conditions. This variant is not present in population databases (gnomAD no frequency).